The following is an entry in ClinVar:

ClinVar aggregate classification (germline): Uncertain significance (1 of 4 stars; one submission).

Conditions:
Cardiovascular phenotype. Identifiers: MedGen CN230736.

gnomAD v4.1: 3 of 1,613,674 alleles (0.00019%); highest among the groups gnomAD compares: African/African-American, 0.004%; no homozygotes.

Submission:

Ambry Genetics
Classification: Uncertain significance for Cardiovascular phenotype. Last evaluated: 2024-06-07. Review status: criteria provided, single submitter. Criteria: Ambry Variant Classification Scheme 2023. Collection method: clinical testing. Allele origin: germline.
Comment: The p.R214L variant (also known as c.641G>T), located in coding exon 6 of the TRPM4 gene, results from a G to T substitution at nucleotide position 641. The arginine at codon 214 is replaced by leucine, an amino acid with dissimilar properties. This amino acid position is conserved. In addition, this alteration is predicted to be tolerated by in silico analysis. Since supporting evidence is limited at this time, the clinical significance of this alteration remains unclear.

NM_017636.4(TRPM4):c.641G>T (p.Arg214Leu)

Gene: TRPM4 (transient receptor potential cation channel subfamily M member 4; plus strand). Cytogenetic location: 19q13.33.
Variant type: single nucleotide variant.
Coding change: c.641G>T on transcript NM_017636.4 (MANE Select); coding-DNA position 641, G replaced by T.
Protein change: p.Arg214Leu; replaces arginine 214 with leucine.
Molecular consequence: missense variant. On other transcripts: 5 prime UTR variant (2).
Genome position (GRCh38, 1-based): chr19:49,168,581, G>T. VCF-style: chr19-49168581-G-T. GRCh37 (hg19) VCF-style: chr19-49671838-G-T.
Other names: c.641G>T, p.Arg214Leu (NM_001195227.2); c.296G>T, p.Arg99Leu (NM_001321281.2); c.-913G>T (NM_001321282.2); c.119G>T, p.Arg40Leu (NM_001321283.2); c.-209G>T (NM_001321285.2); short protein forms R214L, R40L, R99L.
Identifiers: ClinVar variation 1753429 (VCV001753429.3), dbSNP rs145878044, ClinGen allele CA309431486.